The following is an entry in ClinVar:

ClinVar aggregate classification (germline): Likely pathogenic. Review status: criteria provided, multiple submitters, no conflicts (2 of 4 stars). 6 submissions from 6 submitters: Likely pathogenic (5). 1 of the submissions does not count toward it. Last evaluated 2026-01-08.

Conditions:
Hereditary cancer-predisposing syndrome. Also called: Hereditary Cancer Syndrome; Neoplastic Syndromes, Hereditary; Tumor predisposition; Hereditary neoplastic syndrome. Identifiers: Orphanet 140162, MedGen C0027672, MeSH D009386, MONDO:0015356.
Aplastic anemia. Identifiers: Orphanet 182040, Orphanet 88, MedGen C0002874, MONDO:0015909, OMIM 609135, HP:0001915.
Microcephaly, normal intelligence and immunodeficiency (NBS). Also called: BERLIN BREAKAGE SYNDROME; Ataxia telangiectasia variant V1; IMMUNODEFICIENCY, MICROCEPHALY, AND CHROMOSOMAL INSTABILITY; SEEMANOVA SYNDROME II; Nijmegen breakage syndrome; Microcephaly with normal intelligence immunodeficiency and lymphoreticular malignancies. Identifiers: Orphanet 647, MedGen C0398791, MONDO:0009623, OMIM 251260.

Allele frequency attached by ClinVar (database versions not stated): TOPMed 0.00002.
gnomAD v4.1: 13 of 1,600,664 alleles (0.00081%); highest among the groups gnomAD compares: Admixed American, 0.0017%; no homozygotes.

Submissions (6):

Labcorp Genetics (formerly Invitae), Labcorp
Classification: Likely pathogenic for Microcephaly, normal intelligence and immunodeficiency. Last evaluated: 2026-01-08. Review status: criteria provided, single submitter. Criteria: Invitae Variant Classification Sherloc (09022015). Collection method: clinical testing. Allele origin: germline.
Comment: This sequence change affects an acceptor splice site in intron 13 of the NBN gene. RNA analysis indicates that disruption of this splice site induces altered splicing and likely results in a shortened protein product. This variant is not present in population databases (gnomAD no frequency). Disruption of this splice site has been observed in individual(s) with prostate cancer (PMID: 32832836). ClinVar contains an entry for this variant (Variation ID: 230924). Studies have shown that disruption of this splice site results in skipping of exon 14, but is expected to preserve the integrity of the reading-frame (internal data). In summary, the currently available evidence indicates that the variant is pathogenic, but additional data are needed to prove that conclusively. Therefore, this variant has been classified as Likely Pathogenic.

Ambry Genetics
Classification: Likely pathogenic for Hereditary cancer-predisposing syndrome. Last evaluated: 2024-11-13. Review status: criteria provided, single submitter. Criteria: Ambry Variant Classification Scheme 2023. Collection method: clinical testing. Allele origin: germline.
Comment: The c.2071-1G>A intronic variant results from a G to A substitution one nucleotide before coding exon 14 of the NBN gene. Alterations that disrupt the canonical splice site are expected to result in aberrant splicing. In silico splice site analysis predicts that this alteration will weaken the native splice acceptor site. RNA studies have demonstrated that this alteration results in abnormal splicing in the set of samples tested (Ambry internal data). The resulting transcript is predicted to be in-frame and is not expected to trigger nonsense-mediated mRNA decay; however, direct evidence is unavailable. The exact functional effect of the altered amino acid sequence is unknown. This variant was observed in an individual with prostate cancer (Matejcic M et al. JCO Precis Oncol, 2020 Jan;4:32-43). This variant was also reported in 1/60,466 breast cancer cases and in 0/53,461 controls (Dorling et al. N Engl J Med. 2021 02;384:428-439). This variant is considered to be rare based on population cohorts in the Genome Aggregation Database (gnomAD). This nucleotide position is highly conserved in available vertebrate species. As such, this alteration is classified as likely pathogenic.

Baylor Genetics
Classification: Likely pathogenic for Aplastic anemia. Last evaluated: 2024-02-29. Review status: criteria provided, single submitter. Criteria: ACMG Guidelines, 2015. Collection method: clinical testing. Allele origin: unknown.

GeneDx
Classification: Likely pathogenic. Last evaluated: 2023-08-01. Review status: criteria provided, single submitter. Criteria: GeneDx Variant Classification Process June 2021. Collection method: clinical testing. Allele origin: germline. Affected: yes.
Comment: Canonical splice site variant predicted to result in an in-frame loss of the adjacent exon in a gene for which loss of function is a known mechanism of disease; Not observed at significant frequency in large population cohorts (gnomAD); Observed in an individual with prostate cancer and in an individual with sarcoma (Matejcic et al., 2020; Kim et al., 2021); This variant is associated with the following publications: (PMID: 25801821, 31589614, 24894818, 34308104, 32832836)

Women's Health and Genetics/Laboratory Corporation of America, LabCorp
Classification: Likely pathogenic for Microcephaly, normal intelligence and immunodeficiency. Last evaluated: 2015-09-16. Review status: criteria provided, single submitter. Criteria: LabCorp Variant Classification Summary - May 2015. Collection method: clinical testing. Allele origin: germline.

Natera, Inc.
Classification: Likely pathogenic for Nijmegen breakage syndrome. Last evaluated: 2020-09-30. Review status: no assertion criteria provided. Collection method: clinical testing. Allele origin: germline. Not counted in ClinVar's aggregate classification.

Literature cited by the submitters: PubMed 32832836 (cited by Labcorp Genetics (formerly Invitae), Labcorp and Ambry Genetics); PubMed 33471991 (cited by Ambry Genetics).

NM_002485.5(NBN):c.2071-1G>A

Gene: NBN (nibrin; minus strand). Cytogenetic location: 8q21.3.
Variant type: single nucleotide variant.
Coding change: c.2071-1G>A on transcript NM_002485.5 (MANE Select); the canonical splice acceptor site of the intron before coding-DNA position 2071, G replaced by A.
Molecular consequence: splice acceptor variant.
Genome position (GRCh38, 1-based): chr8:89,943,367, C>T on the plus strand (G>A on the coding strand, the complement: NBN is on the minus strand). VCF-style: chr8-89943367-C-T. GRCh37 (hg19) VCF-style: chr8-90955595-C-T.
Other names: c.1825-1G>A (NM_001024688.3).
Identifiers: ClinVar variation 230924 (VCV000230924.32), dbSNP rs786201965, ClinGen allele CA10577363.